The following is an entry in ClinVar:

NM_152515.5(CKAP2L):c.1262A>G (p.Lys421Arg)

Gene: CKAP2L (cytoskeleton associated protein 2 like; minus strand). Cytogenetic location: 2q14.1.
Variant type: single nucleotide variant.
Coding change: c.1262A>G on transcript NM_152515.5 (MANE Select); coding-DNA position 1262, A replaced by G.
Protein change: p.Lys421Arg; replaces lysine 421 with arginine.
Molecular consequence: missense variant. On other transcripts: non-coding transcript variant (1).
Genome position (GRCh38, 1-based): chr2:112,756,109, T>C on the plus strand (A>G on the coding strand, the complement: CKAP2L is on the minus strand). VCF-style: chr2-112756109-T-C. GRCh37 (hg19) VCF-style: chr2-113513686-T-C.
Other names: c.767A>G, p.Lys256Arg (NM_001304361.2); c.1262A>G (NM_152515.3); short protein forms K256R, K421R.
Identifiers: ClinVar variation 2181882 (VCV002181882.5), dbSNP rs371790219, ClinGen allele CA1836692.

ClinVar aggregate classification (germline): Uncertain significance. Review status: criteria provided, multiple submitters, no conflicts (2 of 4 stars). 2 submissions from 2 submitters: Uncertain significance (2). Last evaluated 2024-06-07.

Conditions:
Inborn genetic diseases. Identifiers: MedGen C0950123, MeSH D030342.

Allele frequency attached by ClinVar (database versions not stated): gnomAD exomes below 0.00001; gnomAD 0.00001; ExAC 0.00002; TOPMed 0.00002; ESP Exome Variant Server 0.00008; 1000 Genomes Project 30x 0.00016; 1000 Genomes Project 0.00020.

Submissions (2):

Ambry Genetics
Classification: Uncertain significance for Inborn genetic diseases. Last evaluated: 2024-06-07. Review status: criteria provided, single submitter. Criteria: Ambry Variant Classification Scheme 2023. Collection method: clinical testing. Allele origin: germline.

Labcorp Genetics (formerly Invitae), Labcorp
Classification: Uncertain significance. Last evaluated: 2022-05-22. Review status: criteria provided, single submitter. Criteria: Invitae Variant Classification Sherloc (09022015). Collection method: clinical testing. Allele origin: germline.
Comment: This variant has not been reported in the literature in individuals affected with CKAP2L-related conditions. In summary, the available evidence is currently insufficient to determine the role of this variant in disease. Therefore, it has been classified as a Variant of Uncertain Significance. Algorithms developed to predict the effect of missense changes on protein structure and function output the following: SIFT: "Tolerated"; PolyPhen-2: "Benign"; Align-GVGD: "Class C0". The arginine amino acid residue is found in multiple mammalian species, which suggests that this missense change does not adversely affect protein function. This variant is present in population databases (rs371790219, gnomAD 0.01%). This sequence change replaces lysine, which is basic and polar, with arginine, which is basic and polar, at codon 421 of the CKAP2L protein (p.Lys421Arg).